The following is an entry in ClinVar:

ClinVar aggregate classification (germline): Uncertain significance (1 of 4 stars; one submission).

Conditions:
Colorectal cancer, hereditary nonpolyposis, type 7. Identifiers: Orphanet 144, MedGen C1858380, MONDO:0013725, OMIM 614385.

gnomAD v4.1: 1 of 152,198 alleles (0.00066%); highest among the groups gnomAD compares: Admixed American, 0.0065%; no homozygotes.

Submission:

Dasa
Classification: Uncertain significance for Colorectal cancer, hereditary nonpolyposis, type 7. Last evaluated: 2025-12-08. Review status: criteria provided, single submitter. Criteria: DASA Assertion Criteria. Collection method: clinical testing. Allele origin: germline.
Comment: NM_001040108.2(MLH3):c.3644-198A>G is an intronic variant. This variant is rare in population databases. The currently available literature and clinical evidence are not sufficient to establish a definitive association between this variant and the reported condition. Therefore, this variant is classified as a variant of uncertain significance.

NM_001040108.2(MLH3):c.3644-198A>G

Gene: MLH3 (mutL homolog 3; minus strand). Cytogenetic location: 14q24.3.
Variant type: single nucleotide variant.
Coding change: c.3644-198A>G on transcript NM_001040108.2 (MANE Select); 198 bases into the intron before coding-DNA position 3644, A replaced by G.
Molecular consequence: intron variant.
Genome position (GRCh38, 1-based): chr14:75,033,688, T>C on the plus strand (A>G on the coding strand, the complement: MLH3 is on the minus strand). VCF-style: chr14-75033688-T-C. GRCh37 (hg19) VCF-style: chr14-75500391-T-C.
Other names: c.3644-1509A>G (NM_014381.3).
Identifiers: ClinVar variation 4883017 (VCV004883017.2).
Genomic context (GRCh38, chr14:75,033,688, plus strand): 5'-CTTTTATTTCCTAAAACATGAAATTATGGGGAAAATGATAGCAAACTTATCCCATATGTT[T>C]GAATCCCAGATCCAATTCTGAAAGGCACAAAAGGGAATTTAATAAAGTCTCCTTTATACT-3'